The following is an entry in ClinVar:

ClinVar aggregate classification (germline): Pathogenic (1 of 4 stars; one submission).

Submission:

Labcorp Genetics (formerly Invitae), Labcorp
Classification: Pathogenic. Last evaluated: 2019-04-30. Review status: criteria provided, single submitter. Criteria: Invitae Variant Classification Sherloc (09022015). Collection method: clinical testing. Allele origin: germline.
Comment: A gross deletion of the genomic region encompassing the full coding sequence of the HBB gene has been identified. The boundaries of this event are unknown as the deletion extends beyond the assayed region for this gene and therefore may encompass additional genes. Deletions of the HBB gene have been observed in individuals affected with HBB-related conditions (PMID: 8257991, 19807730, 19958185). Loss-of-function variants in HBB are known to be pathogenic (PMID: 23637309). For these reasons, this variant has been classified as Pathogenic.

Literature cited by the submitters: PubMed 19807730; PubMed 8257991; PubMed 19958185.

NC_000011.10:g.(?_5225466)_(5227294_?)del

Gene: HBB (hemoglobin subunit beta; minus strand). Cytogenetic location: 11p15.4.
Variant type: Deletion.
Identifiers: ClinVar variation 831400 (VCV000831400.1).